The following is an entry in ClinVar:

ClinVar aggregate classification (germline): Uncertain significance. Review status: criteria provided, multiple submitters, no conflicts (2 of 4 stars). 2 submissions from 2 submitters: Uncertain significance (2). Last evaluated 2025-03-11.

Conditions:
Inborn genetic diseases. Identifiers: MedGen C0950123, MeSH D030342.

Allele frequency attached by ClinVar (database versions not stated): ExAC 0.00002.

Submissions (2):

Labcorp Genetics (formerly Invitae), Labcorp
Classification: Uncertain significance. Last evaluated: 2025-03-11. Review status: criteria provided, single submitter. Criteria: Invitae Variant Classification Sherloc (09022015). Collection method: clinical testing. Allele origin: germline.
Comment: This sequence change replaces arginine, which is basic and polar, with cysteine, which is neutral and slightly polar, at codon 110 of the XPR1 protein (p.Arg110Cys). This variant is present in population databases (rs765277483, gnomAD 0.006%). This variant has not been reported in the literature in individuals affected with XPR1-related conditions. ClinVar contains an entry for this variant (Variation ID: 2961250). Invitae Evidence Modeling of protein sequence and biophysical properties (such as structural, functional, and spatial information, amino acid conservation, physicochemical variation, residue mobility, and thermodynamic stability) indicates that this missense variant is not expected to disrupt XPR1 protein function with a negative predictive value of 80%. In summary, the available evidence is currently insufficient to determine the role of this variant in disease. Therefore, it has been classified as a Variant of Uncertain Significance.

Ambry Genetics
Classification: Uncertain significance for Inborn genetic diseases. Last evaluated: 2024-05-10. Review status: criteria provided, single submitter. Criteria: Ambry Variant Classification Scheme 2023. Collection method: clinical testing. Allele origin: germline.

NM_004736.4(XPR1):c.328C>T (p.Arg110Cys)

Gene: XPR1 (xenotropic and polytropic retrovirus receptor 1; plus strand). Cytogenetic location: 1q25.3.
Variant type: single nucleotide variant.
Coding change: c.328C>T on transcript NM_004736.4 (MANE Select); coding-DNA position 328, C replaced by T.
Protein change: p.Arg110Cys; replaces arginine 110 with cysteine.
Molecular consequence: missense variant. On other transcripts: non-coding transcript variant (1).
Genome position (GRCh38, 1-based): chr1:180,803,492, C>T. VCF-style: chr1-180803492-C-T. GRCh37 (hg19) VCF-style: chr1-180772628-C-T.
Other names: c.328C>T (NM_004736.3); c.328C>T, p.Arg110Cys (NM_001135669.2, NM_001328662.2); short protein forms R110C.
Identifiers: ClinVar variation 2961250 (VCV002961250.4), dbSNP rs765277483, ClinGen allele CA1272531.